The following is an entry in ClinVar:

ClinVar aggregate classification (germline): Uncertain significance (1 of 4 stars; one submission).

Conditions:
LEPR-related disorder. Also called: LEPR-related condition; LEPR-related disorders.

gnomAD v4.1: 1 of 1,614,228 alleles (0.000062%); no homozygotes.

Submission:

PreventionGenetics, part of Exact Sciences
Classification: Uncertain significance for LEPR-related condition. Last evaluated: 2026-06-23. Review status: criteria provided, single submitter. Criteria: ACMG Guidelines, 2015. Collection method: clinical testing. Allele origin: germline.
Comment: The LEPR c.1838G>C variant is predicted to result in the amino acid substitution p.Cys613Ser. To our knowledge, this variant has not been reported in the literature or in a large population database (gnomAD), indicating this variant is rare. At this time, the clinical significance of this variant is uncertain due to the absence of conclusive functional and genetic evidence.

NM_002303.6(LEPR):c.1838G>C (p.Cys613Ser)

Gene: LEPR (leptin receptor; plus strand). Cytogenetic location: 1p31.3.
Variant type: single nucleotide variant.
Coding change: c.1838G>C on transcript NM_002303.6 (MANE Select); coding-DNA position 1838, G replaced by C.
Protein change: p.Cys613Ser; replaces cysteine 613 with serine.
Molecular consequence: missense variant.
Genome position (GRCh38, 1-based): chr1:65,610,032, G>C. VCF-style: chr1-65610032-G-C. GRCh37 (hg19) VCF-style: chr1-66075715-G-C.
Other names: c.1838G>C, p.Cys613Ser (NM_001003679.3, NM_001003680.3, NM_001198687.2 and 2 more transcripts); short protein forms C613S.
Identifiers: ClinVar variation 4991252 (VCV004991252.1).